The following is an entry in ClinVar:

NM_001130987.2(DYSF):c.3756T>A (p.Tyr1252Ter)

Gene: DYSF (dysferlin; plus strand). Cytogenetic location: 2p13.2.
Variant type: single nucleotide variant.
Coding change: c.3756T>A on transcript NM_001130987.2 (MANE Select); coding-DNA position 3756, T replaced by A.
Protein change: p.Tyr1252Ter; replaces tyrosine 1252 with a stop codon.
Molecular consequence: nonsense.
Genome position (GRCh38, 1-based): chr2:71,598,745, T>A. VCF-style: chr2-71598745-T-A. GRCh37 (hg19) VCF-style: chr2-71825875-T-A.
Other names: c.3702T>A, p.Tyr1234Ter (NM_003494.4, NM_001130978.2); c.3705T>A, p.Tyr1235Ter (NM_001130455.2, NM_001130983.2); c.3660T>A, p.Tyr1220Ter (NM_001130976.2, NM_001130977.2); c.3795T>A, p.Tyr1265Ter (NM_001130979.2); c.3753T>A, p.Tyr1251Ter (NM_001130980.2, NM_001130981.2); c.3798T>A, p.Tyr1266Ter (NM_001130982.2); c.3663T>A, p.Tyr1221Ter (NM_001130984.2, NM_001130986.2); c.3756T>A, p.Tyr1252Ter (NM_001130985.2); short protein forms Y1265*, Y1234*, Y1252*, Y1220*, Y1221*, Y1251*, Y1235*, Y1266*.
Identifiers: ClinVar variation 857602 (VCV000857602.8), dbSNP rs141720146, ClinGen allele CA347224358.

ClinVar aggregate classification (germline): Pathogenic. Review status: criteria provided, multiple submitters, no conflicts (2 of 4 stars). 2 submissions from 2 submitters: Pathogenic (2). Last evaluated 2024-05-08.

Conditions:
Autosomal recessive limb-girdle muscular dystrophy. Identifiers: Orphanet 102015, MedGen C2931907, MONDO:0015152.
Neuromuscular disease caused by qualitative or quantitative defects of dysferlin. Also called: Dysferlinopathy; Qualitative or quantitative defects of dysferlin. Identifiers: Orphanet 207073, MedGen C2931687, MONDO:0016145.

Submissions (2):

Myriad Genetics, Inc.
Classification: Pathogenic for Autosomal recessive limb-girdle muscular dystrophy. Last evaluated: 2024-05-08. Review status: criteria provided, single submitter. Criteria: Myriad Autosomal Dominant, Autosomal Recessive and X-Linked Classification Criteria (2023). Collection method: clinical testing. Allele origin: unknown.
Comment: NM_003494.3(DYSF):c.3702T>A(Y1234*) is expected to be pathogenic in the context of dysferlinopathy. This variant is predicted to lead to an abnormal or absent protein product due to the creation of a premature termination codon in DYSF, a gene where loss-of-function variants are known to be pathogenic. Please note: this variant was assessed in the context of healthy population screening.

Labcorp Genetics (formerly Invitae), Labcorp
Classification: Pathogenic for Neuromuscular disease caused by qualitative or quantitative defects of dysferlin. Last evaluated: 2022-09-26. Review status: criteria provided, single submitter. Criteria: Invitae Variant Classification Sherloc (09022015). Collection method: clinical testing. Allele origin: germline.
Comment: This sequence change creates a premature translational stop signal (p.Tyr1234*) in the DYSF gene. It is expected to result in an absent or disrupted protein product. Loss-of-function variants in DYSF are known to be pathogenic (PMID: 17698709, 20301480). This variant is not present in population databases (gnomAD no frequency). This premature translational stop signal has been observed in individual(s) with Miyoshi myopathy (PMID: 27647186). ClinVar contains an entry for this variant (Variation ID: 857602). For these reasons, this variant has been classified as Pathogenic.

Literature cited by the submitters: PubMed 17698709 (cited by Labcorp Genetics (formerly Invitae), Labcorp); PubMed 20301480 (cited by Labcorp Genetics (formerly Invitae), Labcorp); PubMed 27647186 (cited by Labcorp Genetics (formerly Invitae), Labcorp).